The following continues an entry in ClinVar:

NM_000257.4(MYH7):c.788T>C (p.Ile263Thr)

Gene: MYH7. ClinVar aggregate classification (germline): Pathogenic. Pathogenic (1).

Submissions 10 to 18 of 18:

GeneDx
Classification: Pathogenic. Last evaluated: 2024-05-23. Review status: criteria provided, single submitter. Criteria: GeneDx Variant Classification Process June 2021. Collection method: clinical testing. Allele origin: germline. Affected: yes. Not counted in ClinVar's aggregate classification.
Comment: Not observed at significant frequency in large population cohorts (gnomAD); In silico analysis supports that this missense variant has a deleterious effect on protein structure/function; This variant is associated with the following publications: (PMID: 9829907, 12707239, 27737317, 23074333, 21425739, 16335287, 22429680, 24014347, 20624503, 22857948, 24093860, 9140839, 27532257, 27247418, 25937619, 29300372, 30297972, 31589614, 35653365, 28193612, 31513939, 33258288, 33586461, 36264615, 37652022, 15008060)

All of Us Research Program, National Institutes of Health
Classification: Pathogenic for Hypertrophic cardiomyopathy. Last evaluated: 2023-04-28. Review status: criteria provided, single submitter. Criteria: ACMG Guidelines, 2015. Collection method: clinical testing. Allele origin: germline. Inheritance: Autosomal dominant inheritance. Observed: 1 variant allele, 1 heterozygote. Not counted in ClinVar's aggregate classification.
Comment: This missense variant replaces isoleucine with threonine at codon 263 of the MYH7 protein. Computational prediction suggests that this variant may have a deleterious impact on protein structure and function (internally defined REVEL score threshold >= 0.7, PMID: 27666373). This variant is found within a highly conserved region of the myosin head domain. Missense variants in this region have been shown to be significantly overrepresented in individuals with hypertrophic cardiomyopathy (PMID: 27532257). To our knowledge, functional studies have not been reported for this variant. This variant has been reported in greater than 20 individuals affected with hypertrophic cardiomyopathy (9140839, 9829907, 12707239, 15008060, 16335287, 20624503, 21425739, 22429680, 24093860, 24111713, 25611685, 27532257, 29300372, 30297972, 33495596). It has been shown that this variant segregates with disease in multiple affected individuals across multiple families (PMID: 29300372). This variant has been identified in 1/251460 chromosomes in the general population by the Genome Aggregation Database (gnomAD). Based on the available evidence, this variant is classified as Pathogenic.

This study involves interpretation of variants in research participants for the purpose of population health screening. Participant phenotype was not available at the time of variant classification. Additional details can be found in publication PMID: 35346344, PMCID: PMC8962531

Color Diagnostics, LLC DBA Color Health
Classification: Pathogenic for Cardiomyopathy. Last evaluated: 2023-03-08. Review status: criteria provided, single submitter. Criteria: ACMG Guidelines, 2015. Collection method: clinical testing. Allele origin: germline. Not counted in ClinVar's aggregate classification.
Comment: This missense variant replaces isoleucine with threonine at codon 263 of the MYH7 protein. Computational prediction suggests that this variant may have a deleterious impact on protein structure and function (internally defined REVEL score threshold >= 0.7, PMID: 27666373). This variant is found within a highly conserved region of the myosin head domain. Missense variants in this region have been shown to be significantly overrepresented in individuals with hypertrophic cardiomyopathy (PMID: 27532257). To our knowledge, functional studies have not been reported for this variant. This variant has been reported in greater than 20 individuals affected with hypertrophic cardiomyopathy (9140839, 9829907, 12707239, 15008060, 16335287, 20624503, 21425739, 22429680, 24093860, 24111713, 25611685, 27532257, 29300372, 30297972, 33495596). It has been shown that this variant segregates with disease in multiple affected individuals across multiple families (PMID: 29300372). This variant has been identified in 1/251460 chromosomes in the general population by the Genome Aggregation Database (gnomAD). Based on the available evidence, this variant is classified as Pathogenic.

Molecular Diagnostic Laboratory for Inherited Cardiovascular Disease, Montreal Heart Institute
Classification: Pathogenic for Cardiovascular phenotype. Last evaluated: 2022-02-16. Review status: criteria provided, single submitter. Criteria: ACMG Guidelines, 2015. Collection method: clinical testing. Allele origin: germline. Affected: yes. Not counted in ClinVar's aggregate classification.

Center for Human Genetics, University of Leuven
Classification: Pathogenic for Hypertrophic cardiomyopathy. Last evaluated: 2018-10-31. Review status: criteria provided, single submitter. Criteria: ACMG Guidelines, 2015. Collection method: clinical testing. Allele origin: germline. Affected: yes. Not counted in ClinVar's aggregate classification.

CHEO Genetics Diagnostic Laboratory, Children's Hospital of Eastern Ontario
Classification: Likely pathogenic for Cardiomyopathy. Last evaluated: 2016-04-12. Review status: criteria provided, single submitter. Criteria: ACMG Guidelines, 2015. Collection method: clinical testing. Allele origin: germline. Study: Canadian Open Genetics Repository. Not counted in ClinVar's aggregate classification.

Stanford Center for Inherited Cardiovascular Disease, Stanford University
Classification: Likely pathogenic. Last evaluated: 2015-06-23. Review status: criteria provided, single submitter. Criteria: ACMG Guidelines, 2015. Collection method: provider interpretation. Allele origin: germline. Not counted in ClinVar's aggregate classification.

Laboratory for Molecular Medicine, Mass General Brigham Personalized Medicine
Classification: Pathogenic for Hypertrophic cardiomyopathy. Last evaluated: 2013-04-09. Review status: criteria provided, single submitter. Criteria: LMM Criteria. Collection method: clinical testing. Allele origin: germline. Inheritance: Autosomal dominant inheritance. Observed: 4 variant alleles. Not counted in ClinVar's aggregate classification.
Comment: The Ile263Thr variant in MYH7 has been reported in 7 individuals with HCM and se gregated with disease in >10 affected relatives (Tesson 1997, Tesson 1998, Brito 2003, Richard 2003, Brito 2005, Santos 2012). This variant was not identified i n large population studies. Isoleucine (Ile) at position is highly conserved in mammals and across evolutionarily distant species and the change to threonine (T hr) was predicted to be pathogenic using a computational tool clinically validat ed by our laboratory. This tool's pathogenic prediction is estimated to be corre ct 94% of the time (Jordan 2011). In summary, this variant meets our criteria to be classified as pathogenic based upon segregat ion studies and absence from controls.

Laboratory of Genetics and Molecular Cardiology, University of São Paulo
Classification: Likely pathogenic for Hypertrophic cardiomyopathy 1. Review status: criteria provided, single submitter. Criteria: LGCM Criteria August 2015. Collection method: clinical testing. Allele origin: germline. Inheritance: Autosomal dominant inheritance. Affected: yes. Observed: 9 variant alleles. Study: Sarcomeric Human Cardiomyopathy Registry (ShaRe). Not counted in ClinVar's aggregate classification.

Literature cited by the submitters: PubMed 9829907 (cited by 6 submitters); PubMed 15008060 (cited by 5 submitters); PubMed 29300372 (cited by 4 submitters); PubMed 27737317 (cited by Dasa); PubMed 12707239 (cited by 5 submitters); PubMed 20624503 (cited by Dasa and Laboratory for Molecular Medicine, Mass General Brigham Personalized Medicine); PubMed 21425739 (cited by 3 submitters); PubMed 22429680 (cited by 3 submitters); PubMed 24093860 (cited by Dasa and Labcorp Genetics (formerly Invitae), Labcorp); PubMed 28606303 (cited by Dasa); PubMed 27247418 (cited by Labcorp Genetics (formerly Invitae), Labcorp and Ambry Genetics); PubMed 27532257 (cited by 4 submitters); PubMed 16335287 (cited by Ambry Genetics and Laboratory for Molecular Medicine, Mass General Brigham Personalized Medicine); PubMed 9140839 (cited by Laboratory for Molecular Medicine, Mass General Brigham Personalized Medicine); PubMed 23074333 (cited by Laboratory for Molecular Medicine, Mass General Brigham Personalized Medicine).